The following is an entry in ClinVar:

NM_004174.4(SLC9A3):c.1357-1G>A

Gene: SLC9A3 (solute carrier family 9 member A3). Cytogenetic location: 5p15.33.
Variant type: single nucleotide variant.
Coding change: c.1357-1G>A on transcript NM_004174.4 (MANE Select); the canonical splice acceptor site of the intron before coding-DNA position 1357, G replaced by A.
Molecular consequence: splice acceptor variant. On other transcripts: intron variant (1).
Genome position (GRCh38, 1-based): chr5:482,158, C>T on the plus strand (G>A on the coding strand, the complement: SLC9A3 is on the minus strand). VCF-style: chr5-482158-C-T. GRCh37 (hg19) VCF-style: chr5-482273-C-T.
Other names: c.1357-28G>A (NM_001284351.3).
Identifiers: ClinVar variation 3644985 (VCV003644985.2).
Genomic context (GRCh38, chr5:482,158, plus strand): 5'-TTCCCGGTGCTCGCTCCTCTTCACCTTCAGCCACTGCACCAGAGGCTTGATGGTCAGGCC[C>T]TGGAGGACAGGGTCTCGTGACCCTGGTGCCAGGCAGCCCCCCACATCCCGCTGGCCCGGC-3'

ClinVar aggregate classification (germline): Likely pathogenic (1 of 4 stars; one submission).

Submission:

Labcorp Genetics (formerly Invitae), Labcorp
Classification: Likely pathogenic. Last evaluated: 2025-02-10. Review status: criteria provided, single submitter. Criteria: Invitae Variant Classification Sherloc (09022015). Collection method: clinical testing. Allele origin: germline.
Comment: This sequence change affects an acceptor splice site in intron 7 of the SLC9A3 gene. It is expected to disrupt RNA splicing. Variants that disrupt the donor or acceptor splice site typically lead to a loss of protein function (PMID: 16199547), and loss-of-function variants in SLC9A3 are known to be pathogenic (PMID: 26358773). This variant is not present in population databases (gnomAD no frequency). This variant has not been reported in the literature in individuals affected with SLC9A3-related conditions. Algorithms developed to predict the effect of sequence changes on RNA splicing suggest that this variant may disrupt the consensus splice site. In summary, the currently available evidence indicates that the variant is pathogenic, but additional data are needed to prove that conclusively. Therefore, this variant has been classified as Likely Pathogenic.

Literature cited by the submitters: PubMed 16199547; PubMed 26358773.